The following is an entry in ClinVar:

ClinVar aggregate classification (germline): Conflicting classifications of pathogenicity. Review status: criteria provided, conflicting classifications (1 of 4 stars). 3 submissions from 3 submitters: Uncertain significance (2); Likely benign (1). Last evaluated 2026-02-14.

Conditions:
Familial thoracic aortic aneurysm and aortic dissection (TAAD). Also called: Thoracic aortic aneurysms and dissections. Identifiers: Orphanet 91387, MedGen C4707243, MONDO:0019625.
Congenital contractural arachnodactyly (CCA). Also called: BEALS SYNDROME; Arthrogryposis, distal, type 9; Beals-Hecht syndrome. Identifiers: Orphanet 115, MedGen C0220668, MONDO:0007363, OMIM 121050.

Allele frequency attached by ClinVar (database versions not stated): gnomAD exomes 0.00001 and 0.00004; ExAC 0.00006; TOPMed 0.00002; gnomAD 0.00001.
gnomAD v4.1: 10 of 1,613,850 alleles (0.00062%); highest among the groups gnomAD compares: East Asian, 0.016%; no homozygotes.

Submissions (3):

Ambry Genetics
Classification: Uncertain significance for Familial thoracic aortic aneurysm and aortic dissection. Last evaluated: 2026-02-14. Review status: criteria provided, single submitter. Criteria: Ambry Variant Classification Scheme 2023. Collection method: clinical testing. Allele origin: germline.
Comment: The p.A2299V variant (also known as c.6896C>T), located in coding exon 55 of the FBN2 gene, results from a C to T substitution at nucleotide position 6896. The alanine at codon 2299 is replaced by valine, an amino acid with similar properties. This amino acid position is conserved. In addition, the in silico prediction for this alteration is inconclusive. Based on the available evidence, the clinical significance of this variant remains unclear.

Labcorp Genetics (formerly Invitae), Labcorp
Classification: Likely benign for Congenital contractural arachnodactyly. Last evaluated: 2024-12-21. Review status: criteria provided, single submitter. Criteria: Invitae Variant Classification Sherloc (09022015). Collection method: clinical testing. Allele origin: germline.

GeneDx
Classification: Uncertain significance. Last evaluated: 2024-06-05. Review status: criteria provided, single submitter. Criteria: GeneDx Variant Classification Process June 2021. Collection method: clinical testing. Allele origin: germline.
Comment: Has not been previously published as pathogenic or benign to our knowledge; Although located in a calcium-binding EGF-like domain of the FBN2 gene, it does not substitute or introduce a cysteine residue (PMID: 19006240, 18767143); In silico analysis supports that this missense variant does not alter protein structure/function; This variant is associated with the following publications: (PMID: 19006240, 18767143)

NM_001999.4(FBN2):c.6896C>T (p.Ala2299Val)

Gene: FBN2 (fibrillin 2; minus strand). Cytogenetic location: 5q23.3.
Variant type: single nucleotide variant.
Coding change: c.6896C>T on transcript NM_001999.4 (MANE Select); coding-DNA position 6896, C replaced by T.
Protein change: p.Ala2299Val; replaces alanine 2299 with valine.
Molecular consequence: missense variant.
Genome position (GRCh38, 1-based): chr5:128,286,834, G>A on the plus strand (C>T on the coding strand, the complement: FBN2 is on the minus strand). VCF-style: chr5-128286834-G-A. GRCh37 (hg19) VCF-style: chr5-127622526-G-A.
Other names: short protein forms A2299V.
Identifiers: ClinVar variation 652267 (VCV000652267.12), dbSNP rs756798856, ClinGen allele CA3394270.